The following is an entry in ClinVar:

ClinVar aggregate classification (germline): Benign. Review status: criteria provided, multiple submitters, no conflicts (2 of 4 stars). 2 submissions from 2 submitters: Benign (2). Last evaluated 2026-01-25.

Allele frequency attached by ClinVar (database versions not stated): gnomAD exomes 0.00229 and 0.00377; ExAC 0.00770; TOPMed 0.01501; 1000 Genomes Project 0.01877; gnomAD 0.02195 and 0.02386.

Submissions (2):

Labcorp Genetics (formerly Invitae), Labcorp
Classification: Benign. Last evaluated: 2026-01-25. Review status: criteria provided, single submitter. Criteria: Invitae Variant Classification Sherloc (09022015). Collection method: clinical testing. Allele origin: germline.

GeneDx
Classification: Benign. Last evaluated: 2014-05-27. Review status: criteria provided, single submitter. Criteria: GeneDx Variant Classification (06012015). Collection method: clinical testing. Allele origin: germline. Affected: yes.
Comment: This variant is considered likely benign or benign based on one or more of the following criteria: it is a conservative change, it occurs at a poorly conserved position in the protein, it is predicted to be benign by multiple in silico algorithms, and/or has population frequency not consistent with disease.

NM_020117.11(LARS1):c.2629-10T>C

Gene: LARS1 (leucyl-tRNA synthetase 1; minus strand). Cytogenetic location: 5q32.
Variant type: single nucleotide variant.
Coding change: c.2629-10T>C on transcript NM_020117.11 (MANE Select); 10 bases into the intron before coding-DNA position 2629, T replaced by C.
Molecular consequence: intron variant.
Genome position (GRCh38, 1-based): chr5:146,129,128, A>G on the plus strand (T>C on the coding strand, the complement: LARS1 is on the minus strand). VCF-style: chr5-146129128-A-G. GRCh37 (hg19) VCF-style: chr5-145508691-A-G.
Other names: c.2467-10T>C (NM_001317965.2); c.2548-10T>C (NM_016460.4); c.2491-10T>C (NM_001317964.2).
Identifiers: ClinVar variation 138093 (VCV000138093.10), dbSNP rs181728560, ClinGen allele CA291894.